The following is an entry in ClinVar:

NM_002458.3(MUC5B):c.9734T>C (p.Leu3245Pro)

Genes: MUC5B (mucin 5B, oligomeric mucus/gel-forming; plus strand), MUC5B-AS1 (MUC5B antisense RNA 1; minus strand). Cytogenetic location: 11p15.5.
Variant type: single nucleotide variant.
Coding change: c.9734T>C on transcript NM_002458.3 (MANE Select); coding-DNA position 9734, T replaced by C.
Protein change: p.Leu3245Pro; replaces leucine 3245 with proline.
Molecular consequence: missense variant.
Genome position (GRCh38, 1-based): chr11:1,246,614, T>C. VCF-style: chr11-1246614-T-C. GRCh37 (hg19) VCF-style: chr11-1267844-T-C.
Other names: short protein forms L3245P.
Identifiers: ClinVar variation 2641255 (VCV002641255.24), dbSNP rs1862478501, ClinGen allele CA379067743.

ClinVar aggregate classification (germline): Uncertain significance (1 of 4 stars; one submission).

Submission:

CeGaT Center for Human Genetics Tuebingen
Classification: Uncertain significance. Last evaluated: 2023-09-01. Review status: criteria provided, single submitter. Criteria: CeGaT Center For Human Genetics Tuebingen Variant Classification Criteria Version 2. Collection method: clinical testing. Allele origin: germline. Affected: yes. Observed: 1 variant allele.
Comment: MUC5B: PM2, BP4